The following is an entry in ClinVar:

NM_003718.5(CDK13):c.4351C>T (p.His1451Tyr)

Gene: CDK13 (cyclin dependent kinase 13; plus strand). Cytogenetic location: 7p14.1.
Variant type: single nucleotide variant.
Coding change: c.4351C>T on transcript NM_003718.5 (MANE Select); coding-DNA position 4351, C replaced by T.
Protein change: p.His1451Tyr; replaces histidine 1451 with tyrosine.
Molecular consequence: missense variant.
Genome position (GRCh38, 1-based): chr7:40,094,792, C>T. VCF-style: chr7-40094792-C-T. GRCh37 (hg19) VCF-style: chr7-40134391-C-T.
Other names: c.4171C>T, p.His1391Tyr (NM_031267.4); short protein forms H1391Y, H1451Y.
Identifiers: ClinVar variation 1716419 (VCV001716419.6), dbSNP rs1351507283, ClinGen allele CA367296989.

ClinVar aggregate classification (germline): Uncertain significance. Review status: criteria provided, multiple submitters, no conflicts (2 of 4 stars). 2 submissions from 2 submitters: Uncertain significance (2). Last evaluated 2023-08-30.

Allele frequency attached by ClinVar (database versions not stated): gnomAD exomes below 0.00001; TOPMed below 0.00001.
gnomAD v4.1: 5 of 1,597,318 alleles (0.00031%); highest among the groups gnomAD compares: Admixed American, 0.0018%; no homozygotes.

Submissions (2):

Labcorp Genetics (formerly Invitae), Labcorp
Classification: Uncertain significance. Last evaluated: 2023-08-30. Review status: criteria provided, single submitter. Criteria: Invitae Variant Classification Sherloc (09022015). Collection method: clinical testing. Allele origin: germline.
Comment: This variant is present in population databases (no rsID available, gnomAD 0.003%). In summary, the available evidence is currently insufficient to determine the role of this variant in disease. Therefore, it has been classified as a Variant of Uncertain Significance. Advanced modeling of protein sequence and biophysical properties (such as structural, functional, and spatial information, amino acid conservation, physicochemical variation, residue mobility, and thermodynamic stability) performed at Invitae indicates that this missense variant is not expected to disrupt CDK13 protein function. ClinVar contains an entry for this variant (Variation ID: 1716419). This variant has not been reported in the literature in individuals affected with CDK13-related conditions. This sequence change replaces histidine, which is basic and polar, with tyrosine, which is neutral and polar, at codon 1451 of the CDK13 protein (p.His1451Tyr).

Blueprint Genetics
Classification: Uncertain significance. Last evaluated: 2022-06-27. Review status: criteria provided, single submitter. Criteria: ACMG Guidelines, 2015. Collection method: clinical testing. Allele origin: germline.